The following is an entry in ClinVar:

ClinVar aggregate classification (germline): Uncertain significance. Review status: criteria provided, multiple submitters, no conflicts (2 of 4 stars). 2 submissions from 2 submitters: Uncertain significance (2). Last evaluated 2025-01-20.

Conditions:
Retinitis pigmentosa 59 (RP59). Identifiers: Orphanet 791, MedGen C3151227, MONDO:0013468, OMIM 613861.

Allele frequency attached by ClinVar (database versions not stated): ExAC 0.00002.
gnomAD v4.1: 46 of 1,614,170 alleles (0.0028%); highest among the groups gnomAD compares: Non-Finnish European, 0.0036%; no homozygotes.

Submissions (2):

Labcorp Genetics (formerly Invitae), Labcorp
Classification: Uncertain significance for Retinitis pigmentosa 59. Last evaluated: 2025-01-20. Review status: criteria provided, single submitter. Criteria: Invitae Variant Classification Sherloc (09022015). Collection method: clinical testing. Allele origin: germline.
Comment: This sequence change replaces arginine, which is basic and polar, with cysteine, which is neutral and slightly polar, at codon 159 of the DHDDS protein (p.Arg159Cys). This variant is present in population databases (rs752722280, gnomAD 0.006%). This variant has not been reported in the literature in individuals affected with DHDDS-related conditions. ClinVar contains an entry for this variant (Variation ID: 1411225). Invitae Evidence Modeling of protein sequence and biophysical properties (such as structural, functional, and spatial information, amino acid conservation, physicochemical variation, residue mobility, and thermodynamic stability) indicates that this missense variant is not expected to disrupt DHDDS protein function with a negative predictive value of 80%. In summary, the available evidence is currently insufficient to determine the role of this variant in disease. Therefore, it has been classified as a Variant of Uncertain Significance.

Blueprint Genetics
Classification: Uncertain significance. Last evaluated: 2018-07-13. Review status: criteria provided, single submitter. Criteria: ACMG Guidelines, 2015. Collection method: clinical testing. Allele origin: germline.

NM_205861.3(DHDDS):c.475C>T (p.Arg159Cys)

Gene: DHDDS (dehydrodolichyl diphosphate synthase subunit; plus strand). Cytogenetic location: 1p36.11.
Variant type: single nucleotide variant.
Coding change: c.475C>T on transcript NM_205861.3 (MANE Select); coding-DNA position 475, C replaced by T.
Protein change: p.Arg159Cys; replaces arginine 159 with cysteine.
Molecular consequence: missense variant. On other transcripts: intron variant (1).
Genome position (GRCh38, 1-based): chr1:26,447,593, C>T. VCF-style: chr1-26447593-C-T. GRCh37 (hg19) VCF-style: chr1-26774084-C-T.
Other names: c.358C>T, p.Arg120Cys (NM_001243565.2); c.196C>T, p.Arg66Cys (NM_001319959.2); c.475C>T, p.Arg159Cys (NM_024887.4); c.440+1161C>T (NM_001243564.2); short protein forms R120C, R66C, R159C.
Identifiers: ClinVar variation 1411225 (VCV001411225.8), dbSNP rs752722280, ClinGen allele CA705352.